The following is an entry in ClinVar:

ClinVar aggregate classification (germline): Uncertain significance (1 of 4 stars; one submission).

Conditions:
Glycogen storage disease, type VII (GSD7). Also called: PFKM DEFICIENCY; TARUI DISEASE; GSD VII; MUSCLE PHOSPHOFRUCTOKINASE DEFICIENCY. Identifiers: Orphanet 371, MedGen C0017926, MONDO:0009295, OMIM 232800.

gnomAD v4.1: 19 of 1,606,312 alleles (0.0012%); highest among the groups gnomAD compares: East Asian, 0.0022%; no homozygotes.

Submission:

ARUP Laboratories, Molecular Genetics and Genomics, ARUP Laboratories
Classification: Uncertain significance for Glycogen storage disease, type VII. Last evaluated: 2024-07-02. Review status: criteria provided, single submitter. Criteria: ARUP Molecular Germline Variant Investigation Process 2024. Collection method: clinical testing. Allele origin: germline.
Comment: The PFKM c.2198+3G>A variant (rs372906459), to our knowledge, is not reported in the medical literature or gene specific databases. This variant is only found on two alleles in the Genome Aggregation Database (v2.1.1), indicating it is not a common polymorphism. This is an intronic variant and computational analyses (Alamut Visual Plus v.1.5.1) predict that this variant does not alter splicing. However, since this variant is located within the minimal splice region, the clinical significance of this variant is uncertain at this time.

NM_000289.6(PFKM):c.2198+3G>A

Gene: PFKM (phosphofructokinase, muscle; plus strand). Cytogenetic location: 12q13.11.
Variant type: single nucleotide variant.
Coding change: c.2198+3G>A on transcript NM_000289.6 (MANE Select); 3 bases into the intron after coding-DNA position 2198, G replaced by A.
Molecular consequence: intron variant.
Genome position (GRCh38, 1-based): chr12:48,145,318, G>A. VCF-style: chr12-48145318-G-A. GRCh37 (hg19) VCF-style: chr12-48539101-G-A.
Other names: c.2222+3G>A (NM_001354741.2); c.2198+3G>A (NM_001354742.2, NM_001354743.2, NM_001354744.2 and 2 more transcripts); c.2048+3G>A (NM_001354747.2, NM_001354748.2); c.2411+3G>A (NM_001166686.2, NM_001354737.1, NM_001354739.1 and 1 more transcripts); c.2507+3G>A (NM_001354736.1, NM_001354735.1); c.2342+3G>A (NM_001354740.1); c.2111+3G>A (NM_001354745.2); c.2072+3G>A (NM_001354746.2); and 1 more.
Identifiers: ClinVar variation 3767055 (VCV003767055.1).
Genomic context (GRCh38, chr12:48,145,318, plus strand): 5'-GTAAGAGGGCTCTGGTCTTCCAACCAGTGGCTGAGCTGAAGGACCAGACAGATTTTGAGT[G>A]AGTACATCTGCTTCCTGGAGTGGTTCTTTTCCCTGGTAGTTTCAAGCTCTACTGTCCTCA-3'